The following is an entry in ClinVar:

ClinVar aggregate classification (germline): Uncertain significance (1 of 4 stars; one submission).

Conditions:
TRPC5-related disorder. Also called: TRPC5-related condition.

gnomAD v4.1: 9 of 1,211,390 alleles (0.00074%); highest among the groups gnomAD compares: African/African-American, 0.0035%; no homozygotes.

Submission:

PreventionGenetics, part of Exact Sciences
Classification: Uncertain significance for TRPC5-related condition. Last evaluated: 2025-05-09. Review status: criteria provided, single submitter. Criteria: ACMG Guidelines, 2015. Collection method: clinical testing. Allele origin: germline.
Comment: The TRPC5 c.2504G>A variant is predicted to result in the amino acid substitution p.Arg835His. To our knowledge, this variant has not been reported in the literature or in a large population database (gnomAD), indicating this variant is rare. At this time, the clinical significance of this variant is uncertain due to the absence of conclusive functional and genetic evidence.

NM_012471.3(TRPC5):c.2504G>A (p.Arg835His)

Gene: TRPC5 (transient receptor potential cation channel subfamily C member 5; minus strand). Cytogenetic location: Xq23.
Variant type: single nucleotide variant.
Coding change: c.2504G>A on transcript NM_012471.3 (MANE Select); coding-DNA position 2504, G replaced by A.
Protein change: p.Arg835His; replaces arginine 835 with histidine.
Molecular consequence: missense variant.
Genome position (GRCh38, 1-based): chrX:111,776,731, C>T on the plus strand (G>A on the coding strand, the complement: TRPC5 is on the minus strand). VCF-style: chrX-111776731-C-T. GRCh37 (hg19) VCF-style: chrX-111019959-C-T.
Other names: short protein forms R835H.
Identifiers: ClinVar variation 4987381 (VCV004987381.1).